The following is an entry in ClinVar:

NM_014915.3(ANKRD26):c.4958A>G (p.Gln1653Arg)

Gene: ANKRD26 (ankyrin repeat domain 26; minus strand). Cytogenetic location: 10p12.1.
Variant type: single nucleotide variant.
Coding change: c.4958A>G on transcript NM_014915.3 (MANE Select); coding-DNA position 4958, A replaced by G.
Protein change: p.Gln1653Arg; replaces glutamine 1653 with arginine.
Molecular consequence: missense variant.
Genome position (GRCh38, 1-based): chr10:27,006,958, T>C on the plus strand (A>G on the coding strand, the complement: ANKRD26 is on the minus strand). VCF-style: chr10-27006958-T-C. GRCh37 (hg19) VCF-style: chr10-27295887-T-C.
Other names: c.4955A>G, p.Gln1652Arg (NM_001256053.2); short protein forms Q1652R, Q1653R.
Identifiers: ClinVar variation 5023090 (VCV005023090.1).

ClinVar aggregate classification (germline): Uncertain significance (1 of 4 stars; one submission).

Conditions:
Inborn genetic diseases. Identifiers: MedGen C0950123, MeSH D030342.

Submission:

Ambry Genetics
Classification: Uncertain significance for Inborn genetic diseases. Last evaluated: 2026-07-14. Review status: criteria provided, single submitter. Criteria: Ambry Variant Classification Scheme 2023. Collection method: clinical testing. Allele origin: germline.
Comment: The p.Q1653R variant (also known as c.4958A>G), located in coding exon 33 of the ANKRD26 gene, results from an A to G substitution at nucleotide position 4958. The glutamine at codon 1653 is replaced by arginine, an amino acid with highly similar properties. This amino acid position is conserved. In addition, this alteration is predicted to be tolerated by in silico analysis. Based on the available evidence, the clinical significance of this variant remains unclear.